The following is an entry in ClinVar:

ClinVar aggregate classification (germline): Uncertain significance (1 of 4 stars; one submission).

Submission:

Labcorp Genetics (formerly Invitae), Labcorp
Classification: Uncertain significance. Last evaluated: 2022-10-28. Review status: criteria provided, single submitter. Criteria: Invitae Variant Classification Sherloc (09022015). Collection method: clinical testing. Allele origin: germline.
Comment: In summary, the available evidence is currently insufficient to determine the role of this variant in disease. Therefore, it has been classified as a Variant of Uncertain Significance. Algorithms developed to predict the effect of missense changes on protein structure and function are either unavailable or do not agree on the potential impact of this missense change (SIFT: "Deleterious"; PolyPhen-2: "Possibly Damaging"; Align-GVGD: "Class C0"). This variant has not been reported in the literature in individuals affected with ADGRV1-related conditions. This variant is not present in population databases (gnomAD no frequency). This sequence change replaces asparagine, which is neutral and polar, with aspartic acid, which is acidic and polar, at codon 5284 of the ADGRV1 protein (p.Asn5284Asp).

NM_032119.4(ADGRV1):c.15850A>G (p.Asn5284Asp)

Gene: ADGRV1 (adhesion G protein-coupled receptor V1; plus strand). Cytogenetic location: 5q14.3.
Variant type: single nucleotide variant.
Coding change: c.15850A>G on transcript NM_032119.4 (MANE Select); coding-DNA position 15850, A replaced by G.
Protein change: p.Asn5284Asp; replaces asparagine 5284 with aspartic acid.
Molecular consequence: missense variant. On other transcripts: non-coding transcript variant (1).
Genome position (GRCh38, 1-based): chr5:90,811,110, A>G. VCF-style: chr5-90811110-A-G. GRCh37 (hg19) VCF-style: chr5-90106927-A-G.
Other names: short protein forms N5284D.
Identifiers: ClinVar variation 2133628 (VCV002133628.4), dbSNP rs776488904, ClinGen allele CA360411127.